The following is an entry in ClinVar:

NM_173630.4(RTTN):c.999G>A (p.Ala333=)

Gene: RTTN (rotatin; minus strand). Cytogenetic location: 18q22.2.
Variant type: single nucleotide variant.
Coding change: c.999G>A on transcript NM_173630.4 (MANE Select); coding-DNA position 999, G replaced by A.
Protein change: p.Ala333=; no amino-acid change (alanine 333 retained).
Molecular consequence: synonymous variant. On other transcripts: 5 prime UTR variant (1).
Genome position (GRCh38, 1-based): chr18:70,193,296, C>T on the plus strand (G>A on the coding strand, the complement: RTTN is on the minus strand). VCF-style: chr18-70193296-C-T. GRCh37 (hg19) VCF-style: chr18-67860532-C-T.
Other names: c.-1555G>A (NM_001318520.2).
Identifiers: ClinVar variation 746104 (VCV000746104.10), dbSNP rs755744735, ClinGen allele CA8996306.

ClinVar aggregate classification (germline): Likely benign. Review status: criteria provided, multiple submitters, no conflicts (2 of 4 stars). 3 submissions from 3 submitters: Likely benign (2). 1 of the submissions does not count toward it. Last evaluated 2026-08-01.

Conditions:
RTTN-related disorder. Also called: RTTN-related condition.

Allele frequency attached by ClinVar (database versions not stated): gnomAD 0.00001; gnomAD exomes 0.00001; ExAC 0.00002; TOPMed 0.00005.
gnomAD v4.1: 18 of 1,610,270 alleles (0.0011%); highest among the groups gnomAD compares: Middle Eastern, 0.016%; no homozygotes.

Submissions (3):

CeGaT Center for Human Genetics Tuebingen
Classification: Likely benign. Last evaluated: 2026-08-01. Review status: criteria provided, single submitter. Criteria: CeGaT Center For Human Genetics Tuebingen Variant Classification Criteria Version 2. Collection method: clinical testing. Allele origin: germline. Affected: yes. Observed: 1 variant allele.
Comment: RTTN: BP4, BP7

Labcorp Genetics (formerly Invitae), Labcorp
Classification: Likely benign. Last evaluated: 2025-08-04. Review status: criteria provided, single submitter. Criteria: Invitae Variant Classification Sherloc (09022015). Collection method: clinical testing. Allele origin: germline.

PreventionGenetics, part of Exact Sciences
Classification: Likely benign for RTTN-related condition. Last evaluated: 2020-10-05. Review status: no assertion criteria provided. Collection method: clinical testing. Allele origin: germline. Not counted in ClinVar's aggregate classification.
Comment: This variant is classified as likely benign based on ACMG/AMP sequence variant interpretation guidelines (Richards et al. 2015 PMID: 25741868, with internal and published modifications).